The following is an entry in ClinVar:

ClinVar aggregate classification (germline): Pathogenic/Likely pathogenic. Review status: criteria provided, multiple submitters, no conflicts (2 of 4 stars). 3 submissions from 3 submitters: Pathogenic (2); Likely pathogenic (1). Last evaluated 2025-12-05.

Conditions:
Hereditary nonpolyposis colorectal neoplasms. Identifiers: MedGen C0009405, MeSH D003123.
Hereditary cancer-predisposing syndrome. Also called: Tumor predisposition; Hereditary neoplastic syndrome; Neoplastic Syndromes, Hereditary; Hereditary Cancer Syndrome. Identifiers: Orphanet 140162, MedGen C0027672, MeSH D009386, MONDO:0015356.
Lynch syndrome 5 (LYNCH5). Also called: Colorectal cancer, hereditary nonpolyposis, type 5; Hereditary non-polyposis colorectal cancer, type 5. Identifiers: Orphanet 144, MedGen C1833477, MONDO:0013710, OMIM 614350. Disease mechanism: loss of function.

Submissions (3):

Ambry Genetics
Classification: Likely pathogenic for Hereditary cancer-predisposing syndrome. Last evaluated: 2025-12-05. Review status: criteria provided, single submitter. Criteria: Ambry Variant Classification Scheme 2023. Collection method: clinical testing. Allele origin: germline.
Comment: The p.Y8* variant (also known as c.24C>A), located in coding exon 1 of the MSH6 gene, results from a C to A substitution at nucleotide position 24. This changes the amino acid from a tyrosine to a stop codon within coding exon 1. The predicted stop codon occurs in the 5&rsquo; end of thegene. Premature termination codons in the 5&rsquo; end of a gene have been reported to escape nonsense-mediated mRNAdecay and/or lead to re-initiation (Rivas et al. Science. 2015 May 8;348(6235):666-9; Lindeboom et al. Nat Genet. 2016 Oct;48(10):1112-8; Rhee et al. Sci Rep. 2017 May 10;7(1):1653). Direct evidence for this alteration is unavailable, however premature termination codons are typically deleterious in nature. This variant is considered to be rare based on population cohorts in the Genome Aggregation Database (gnomAD). Based on the majority of available evidence to date, this variant is likely to be pathogenic.

Myriad Genetics, Inc.
Classification: Pathogenic for Lynch syndrome 5. Last evaluated: 2023-08-09. Review status: criteria provided, single submitter. Criteria: Myriad Autosomal Dominant, Autosomal Recessive and X-Linked Classification Criteria (2023). Collection method: clinical testing. Allele origin: unknown.
Comment: This variant is considered pathogenic. This variant creates a termination codon and is predicted to result in premature protein truncation.

Labcorp Genetics (formerly Invitae), Labcorp
Classification: Pathogenic for Hereditary nonpolyposis colorectal neoplasms. Last evaluated: 2022-07-25. Review status: criteria provided, single submitter. Criteria: Invitae Variant Classification Sherloc (09022015). Collection method: clinical testing. Allele origin: germline.
Comment: This sequence change creates a premature translational stop signal (p.Tyr8*) in the MSH6 gene. It is expected to result in an absent or disrupted protein product. Loss-of-function variants in MSH6 are known to be pathogenic (PMID: 18269114, 24362816). This variant is not present in population databases (gnomAD no frequency). This variant has not been reported in the literature in individuals affected with MSH6-related conditions. ClinVar contains an entry for this variant (Variation ID: 1074383). For these reasons, this variant has been classified as Pathogenic.

Literature cited by the submitters: PubMed 18269114 (cited by Labcorp Genetics (formerly Invitae), Labcorp); PubMed 24362816 (cited by Labcorp Genetics (formerly Invitae), Labcorp).

NM_000179.3(MSH6):c.24C>A (p.Tyr8Ter)

Gene: MSH6 (mutS homolog 6; plus strand). Cytogenetic location: 2p16.3.
Variant type: single nucleotide variant.
Coding change: c.24C>A on transcript NM_000179.3 (MANE Select); coding-DNA position 24, C replaced by A.
Protein change: p.Tyr8Ter; replaces tyrosine 8 with a stop codon.
Molecular consequence: nonsense. On other transcripts: 5 prime UTR variant (1).
Genome position (GRCh38, 1-based): chr2:47,783,257, C>A. VCF-style: chr2-47783257-C-A. GRCh37 (hg19) VCF-style: chr2-48010396-C-A.
Other names: c.24C>A (NM_000179.2); c.24C>A, p.Tyr8Ter (NM_001281492.2); c.-713C>A (NM_001281493.2); short protein forms Y8*.
Identifiers: ClinVar variation 1074383 (VCV001074383.9), dbSNP rs746306598, ClinGen allele CA346734502.